The following is an entry in ClinVar:

NM_002471.4(MYH6):c.3284A>T (p.Lys1095Met)

Gene: MYH6 (myosin heavy chain 6; minus strand). Cytogenetic location: 14q11.2.
Variant type: single nucleotide variant.
Coding change: c.3284A>T on transcript NM_002471.4 (MANE Select); coding-DNA position 3284, A replaced by T.
Protein change: p.Lys1095Met; replaces lysine 1095 with methionine.
Molecular consequence: missense variant.
Genome position (GRCh38, 1-based): chr14:23,392,620, T>A on the plus strand (A>T on the coding strand, the complement: MYH6 is on the minus strand). VCF-style: chr14-23392620-T-A. GRCh37 (hg19) VCF-style: chr14-23861829-T-A.
Other names: c.3284A>T (NM_002471.3); short protein forms K1095M.
Identifiers: ClinVar variation 1432632 (VCV001432632.7), dbSNP rs1184174539, ClinGen allele CA389007263.
Genomic context (GRCh38, chr14:23,392,620, plus strand): 5'-ACCTGGTTTTCCTTCAGTTTCTTCTGTAGTTGAAGGGCCAGCACCTGCTCATCCTCAATC[T>A]TACTGTTCTGCTGATTAATGTCAAACTCCTTCCTGCAGGAGAAGGGTGGGGGTGGGGGAG-3'
Protein context (NP_002462.2, residues 1085-1105): KEFDINQQNS[Lys1095Met]IEDEQVLALQ

ClinVar aggregate classification (germline): Uncertain significance. Review status: criteria provided, multiple submitters, no conflicts (2 of 4 stars). 2 submissions from 2 submitters: Uncertain significance (2). Last evaluated 2024-11-05.

Conditions:
Cardiovascular phenotype. Identifiers: MedGen CN230736.
Hypertrophic cardiomyopathy 14. Identifiers: MedGen C2750467, MONDO:0013197, OMIM 613251.

Allele frequency attached by ClinVar (database versions not stated): gnomAD exomes below 0.00001.
gnomAD v4.1: 3 of 1,612,686 alleles (0.00019%); highest among the groups gnomAD compares: Non-Finnish European, 0.00017%; no homozygotes.

Submissions (2):

Ambry Genetics
Classification: Uncertain significance for Cardiovascular phenotype. Last evaluated: 2024-11-05. Review status: criteria provided, single submitter. Criteria: Ambry Variant Classification Scheme 2023. Collection method: clinical testing. Allele origin: germline.
Comment: The p.K1095M variant (also known as c.3284A>T), located in coding exon 23 of the MYH6 gene, results from an A to T substitution at nucleotide position 3284. The lysine at codon 1095 is replaced by methionine, an amino acid with similar properties. This amino acid position is conserved. In addition, the in silico prediction for this alteration is inconclusive. Based on the available evidence, the clinical significance of this variant remains unclear.

Labcorp Genetics (formerly Invitae), Labcorp
Classification: Uncertain significance for Hypertrophic cardiomyopathy 14. Last evaluated: 2024-04-29. Review status: criteria provided, single submitter. Criteria: Invitae Variant Classification Sherloc (09022015). Collection method: clinical testing. Allele origin: germline.
Comment: This sequence change replaces lysine, which is basic and polar, with methionine, which is neutral and non-polar, at codon 1095 of the MYH6 protein (p.Lys1095Met). This variant is present in population databases (no rsID available, gnomAD no frequency). This variant has not been reported in the literature in individuals affected with MYH6-related conditions. ClinVar contains an entry for this variant (Variation ID: 1432632). Advanced modeling of protein sequence and biophysical properties (such as structural, functional, and spatial information, amino acid conservation, physicochemical variation, residue mobility, and thermodynamic stability) has been performed at Invitae for this missense variant, however the output from this modeling did not meet the statistical confidence thresholds required to predict the impact of this variant on MYH6 protein function. In summary, the available evidence is currently insufficient to determine the role of this variant in disease. Therefore, it has been classified as a Variant of Uncertain Significance.